The following is an entry in ClinVar:

ClinVar aggregate classification (germline): Uncertain significance (1 of 4 stars; one submission).

Conditions:
Hereditary cancer-predisposing syndrome. Also called: Neoplastic Syndromes, Hereditary; Tumor predisposition; Hereditary Cancer Syndrome; Hereditary neoplastic syndrome. Identifiers: Orphanet 140162, MedGen C0027672, MeSH D009386, MONDO:0015356.

Submission:

Ambry Genetics
Classification: Uncertain significance for Hereditary cancer-predisposing syndrome. Last evaluated: 2022-01-11. Review status: criteria provided, single submitter. Criteria: Ambry Variant Classification Scheme 2023. Collection method: clinical testing. Allele origin: germline.
Comment: The p.L277F variant (also known as c.831G>T), located in coding exon 6 of the CHEK2 gene, results from a G to T substitution at nucleotide position 831. The leucine at codon 277 is replaced by phenylalanine, an amino acid with highly similar properties. This amino acid position is conserved. In addition, the in silico prediction for this alteration is inconclusive. Since supporting evidence is limited at this time, the clinical significance of this alteration remains unclear.

NM_007194.4(CHEK2):c.831G>T (p.Leu277Phe)

Gene: CHEK2 (checkpoint kinase 2; minus strand). Cytogenetic location: 22q12.1.
Variant type: single nucleotide variant.
Coding change: c.831G>T on transcript NM_007194.4 (MANE Select); coding-DNA position 831, G replaced by T.
Protein change: p.Leu277Phe; replaces leucine 277 with phenylalanine.
Molecular consequence: missense variant.
Genome position (GRCh38, 1-based): chr22:28,710,021, C>A on the plus strand (G>T on the coding strand, the complement: CHEK2 is on the minus strand). VCF-style: chr22-28710021-C-A. GRCh37 (hg19) VCF-style: chr22-29106009-C-A.
Other names: c.960G>T, p.Leu320Phe (NM_001005735.3); c.168G>T, p.Leu56Phe (NM_001257387.3); c.630G>T, p.Leu210Phe (NM_001349956.3); c.831G>T, p.Leu277Phe (NM_145862.3); short protein forms L210F, L320F, L56F, L277F.
Identifiers: ClinVar variation 1762922 (VCV001762922.2), dbSNP rs876659698, ClinGen allele CA411102343.